The following is an entry in ClinVar:

NM_001079843.3(CASZ1):c.2786G>A (p.Arg929His)

Gene: CASZ1 (castor zinc finger 1; minus strand). Cytogenetic location: 1p36.22.
Variant type: single nucleotide variant.
Coding change: c.2786G>A on transcript NM_001079843.3 (MANE Select); coding-DNA position 2786, G replaced by A.
Protein change: p.Arg929His; replaces arginine 929 with histidine.
Molecular consequence: missense variant.
Genome position (GRCh38, 1-based): chr1:10,650,971, C>T on the plus strand (G>A on the coding strand, the complement: CASZ1 is on the minus strand). VCF-style: chr1-10650971-C-T. GRCh37 (hg19) VCF-style: chr1-10711028-C-T.
Other names: c.2786G>A, p.Arg929His (NM_017766.5); short protein forms R929H.
Identifiers: ClinVar variation 4740097 (VCV004740097.2).

ClinVar aggregate classification (germline): Conflicting classifications of pathogenicity. Review status: criteria provided, conflicting classifications (1 of 4 stars). 2 submissions from 2 submitters: Uncertain significance (1); Likely benign (1). Last evaluated 2025-08-19.

gnomAD v4.1: 49 of 1,589,242 alleles (0.0031%); highest among the groups gnomAD compares: Admixed American, 0.0058%; no homozygotes.

Submissions (2):

Labcorp Genetics (formerly Invitae), Labcorp
Classification: Uncertain significance. Last evaluated: 2025-08-19. Review status: criteria provided, single submitter. Criteria: Invitae Variant Classification Sherloc (09022015). Collection method: clinical testing. Allele origin: germline.
Comment: This sequence change replaces arginine, which is basic and polar, with histidine, which is basic and polar, at codon 929 of the CASZ1 protein (p.Arg929His). The frequency data for this variant in the population databases is considered unreliable, as metrics indicate poor data quality at this position in the gnomAD database. This variant has not been reported in the literature in individuals affected with CASZ1-related conditions. An algorithm developed to predict the effect of missense changes on protein structure and function (PolyPhen-2) suggests that this variant is likely to be tolerated. In summary, the available evidence is currently insufficient to determine the role of this variant in disease. Therefore, it has been classified as a Variant of Uncertain Significance.

Blueprint Genetics
Classification: Likely benign. Last evaluated: 2024-10-08. Review status: criteria provided, single submitter. Criteria: ACMG Guidelines, 2015. Collection method: clinical testing. Allele origin: germline.